The following is an entry in ClinVar:

ClinVar aggregate classification (germline): Conflicting classifications of pathogenicity. Review status: criteria provided, conflicting classifications (1 of 4 stars). 3 submissions from 3 submitters: Uncertain significance (2); Likely benign (1). Last evaluated 2024-07-10.

Conditions:
Liddle syndrome 2. Identifiers: MedGen C4748251, MONDO:0020854, OMIM 618114.
Bronchiectasis with or without elevated sweat chloride 3 (BESC3). Identifiers: Orphanet 60033, MedGen C2751324, MONDO:0013112, OMIM 613071.
Pseudohypoaldosteronism, type IB3, autosomal recessive (PHA1B3). Identifiers: MedGen C5774256, MONDO:0859318, OMIM 620126.

Allele frequency attached by ClinVar (database versions not stated): gnomAD 0.00001; TOPMed 0.00001.
gnomAD v4.1: 28 of 1,614,130 alleles (0.0017%); highest among the groups gnomAD compares: South Asian, 0.013%; no homozygotes.

Submissions (3):

Labcorp Genetics (formerly Invitae), Labcorp
Classification: Uncertain significance. Last evaluated: 2024-07-10. Review status: criteria provided, single submitter. Criteria: Invitae Variant Classification Sherloc (09022015). Collection method: clinical testing. Allele origin: germline.
Comment: This sequence change replaces aspartic acid, which is acidic and polar, with asparagine, which is neutral and polar, at codon 600 of the SCNN1G protein (p.Asp600Asn). This variant is present in population databases (rs772835346, gnomAD 0.01%). This variant has not been reported in the literature in individuals affected with SCNN1G-related conditions. An algorithm developed to predict the effect of missense changes on protein structure and function outputs the following: PolyPhen-2: "Benign". The asparagine amino acid residue is found in multiple mammalian species, which suggests that this missense change does not adversely affect protein function. In summary, the available evidence is currently insufficient to determine the role of this variant in disease. Therefore, it has been classified as a Variant of Uncertain Significance.

Fulgent Genetics
Classification: Uncertain significance for Bronchiectasis with or without elevated sweat chloride 3; Liddle syndrome 2; Pseudohypoaldosteronism, type IB3, autosomal recessive. Last evaluated: 2024-03-13. Review status: criteria provided, single submitter. Criteria: ACMG Guidelines, 2015. Collection method: clinical testing. Allele origin: germline.

Blueprint Genetics
Classification: Likely benign. Last evaluated: 2022-08-16. Review status: criteria provided, single submitter. Criteria: ACMG Guidelines, 2015. Collection method: clinical testing. Allele origin: germline.

NM_001039.4(SCNN1G):c.1798G>A (p.Asp600Asn)

Gene: SCNN1G (sodium channel epithelial 1 subunit gamma; plus strand). Cytogenetic location: 16p12.2.
Variant type: single nucleotide variant.
Coding change: c.1798G>A on transcript NM_001039.4 (MANE Select); coding-DNA position 1798, G replaced by A.
Protein change: p.Asp600Asn; replaces aspartic acid 600 with asparagine.
Molecular consequence: missense variant.
Genome position (GRCh38, 1-based): chr16:23,215,317, G>A. VCF-style: chr16-23215317-G-A. GRCh37 (hg19) VCF-style: chr16-23226638-G-A.
Other names: short protein forms D600N.
Identifiers: ClinVar variation 2978189 (VCV002978189.5), dbSNP rs772835346, ClinGen allele CA7959976.